The following is an entry in ClinVar:

NM_201384.3(PLEC):c.2706C>T (p.Asp902=)

Gene: PLEC (plectin; minus strand). Cytogenetic location: 8q24.3.
Variant type: single nucleotide variant.
Coding change: c.2706C>T on transcript NM_201384.3 (MANE Select); coding-DNA position 2706, C replaced by T.
Protein change: p.Asp902=; no amino-acid change (aspartic acid 902 retained).
Molecular consequence: synonymous variant.
Genome position (GRCh38, 1-based): chr8:143,929,969, G>A on the plus strand (C>T on the coding strand, the complement: PLEC is on the minus strand). VCF-style: chr8-143929969-G-A. GRCh37 (hg19) VCF-style: chr8-145004137-G-A.
Other names: c.2787C>T, p.Asp929= (NM_000445.5); c.2664C>T, p.Asp888= (NM_201378.4); c.2640C>T, p.Asp880= (NM_201379.3); c.3117C>T, p.Asp1039= (NM_201380.4); c.2610C>T, p.Asp870= (NM_201381.3); c.2706C>T, p.Asp902= (NM_201382.4); c.2718C>T, p.Asp906= (NM_201383.3).
Identifiers: ClinVar variation 726565 (VCV000726565.9), dbSNP rs113725770, ClinGen allele CA4927408.
Genomic context (GRCh38, chr8:143,929,969, plus strand): 5'-GAGCCCCCGGCTCGGGGGCAGGCGTACCGTGGCCAGGGACCAGGAGCGGATGAGCTGCAC[G>A]TCGCGGCGAAGGCTCTGCCAGGCCAGAAGGCTCTTCATGTCCACGTGCAACTGGTGCCAC-3'
Protein context (NP_958786.1, residues 892-912): SLLAWQSLRR[Asp902=]VQLIRSWSLA

ClinVar aggregate classification (germline): Likely benign. Review status: criteria provided, multiple submitters, no conflicts (2 of 4 stars). 3 submissions from 3 submitters: Likely benign (3). Last evaluated 2026-03-31.

Conditions:
PLEC-related disorder. Also called: PLEC-related disorders; PLEC-related condition.
Epidermolysis bullosa simplex with nail dystrophy (EBS5D). Identifiers: MedGen C4225309, MONDO:0014661, OMIM 616487.
Epidermolysis bullosa simplex 5B, with muscular dystrophy (EBS5B). Also called: Epidermolysis bullosa simplex with muscular dystrophy; EPIDERMOLYSIS BULLOSA SIMPLEX AND LIMB-GIRDLE MUSCULAR DYSTROPHY. Identifiers: Orphanet 257, MedGen C2931072, MONDO:0009181, OMIM 226670.
Autosomal recessive limb-girdle muscular dystrophy type 2Q (LGMDR17). Also called: MUSCULAR DYSTROPHY, LIMB-GIRDLE, AUTOSOMAL RECESSIVE 17. Identifiers: Orphanet 254361, MedGen C3150989, MONDO:0013390, OMIM 613723.
Epidermolysis bullosa simplex 5C, with pyloric atresia (EBS5C). Also called: PLEC-Related Epidermolysis Bullosa with Pyloric Atresia; Epidermolysis bullosa simplex with pyloric atresia; PLEC1-Related Epidermolysis Bullosa with Pyloric Atresia. Identifiers: Orphanet 158684, MedGen C2677349, MONDO:0012807, OMIM 612138.
Epidermolysis bullosa simplex, Ogna type (EBS5A). Also called: Pidermolysis bullosa simplex 5A, Ogna type; EPIDERMOLYSIS BULLOSA SIMPLEX 5A, OGNA TYPE. Identifiers: Orphanet 79401, MedGen C0432317, MONDO:0007555, OMIM 131950.

Allele frequency attached by ClinVar (database versions not stated): 1000 Genomes Project 0.00020; gnomAD 0.00002; gnomAD exomes 0.00002 and 0.00004; TOPMed 0.00002; ExAC 0.00006; ESP Exome Variant Server 0.00008; 1000 Genomes Project 30x 0.00016.
gnomAD v4.1: 45 of 1,611,366 alleles (0.0028%); highest among the groups gnomAD compares: Middle Eastern, 0.017%; no homozygotes.

Submissions (3):

PreventionGenetics, part of Exact Sciences
Classification: Likely benign for PLEC-related condition. Last evaluated: 2026-03-31. Review status: criteria provided, single submitter. Criteria: ACMG Guidelines, 2015. Collection method: clinical testing. Allele origin: germline.
Comment: This variant is classified as likely benign based on ACMG/AMP sequence variant interpretation guidelines (Richards et al. 2015 PMID: 25741868, with internal and published modifications).

Labcorp Genetics (formerly Invitae), Labcorp
Classification: Likely benign for Autosomal recessive limb-girdle muscular dystrophy type 2Q; Epidermolysis bullosa simplex, Ogna type; Epidermolysis bullosa simplex with nail dystrophy; Epidermolysis bullosa simplex 5C, with pyloric atresia; Epidermolysis bullosa simplex 5B, with muscular dystrophy. Last evaluated: 2025-12-30. Review status: criteria provided, single submitter. Criteria: Invitae Variant Classification Sherloc (09022015). Collection method: clinical testing. Allele origin: germline.

Blueprint Genetics
Classification: Likely benign. Last evaluated: 2024-09-13. Review status: criteria provided, single submitter. Criteria: ACMG Guidelines, 2015. Collection method: clinical testing. Allele origin: germline.